The following is an entry in ClinVar:

ClinVar aggregate classification (germline): Uncertain significance. Review status: criteria provided, multiple submitters, no conflicts (2 of 4 stars). 3 submissions from 3 submitters: Uncertain significance (3). Last evaluated 2025-08-05.

Conditions:
5-Oxoprolinase deficiency (OPLAHD). Also called: 5-OXOPROLINURIA DUE TO 5-OXOPROLINASE DEFICIENCY. Identifiers: Orphanet 33572, MedGen C0268525, MONDO:0009825, OMIM 260005, HP:0040142.
OPLAH-related disorder. Also called: OPLAH-related condition.

Allele frequency attached by ClinVar (database versions not stated): gnomAD 0.00003; TOPMed 0.00004; gnomAD exomes 0.00005; ExAC 0.00006.
gnomAD v4.1: 73 of 1,585,042 alleles (0.0046%); highest among the groups gnomAD compares: Admixed American, 0.0089%; no homozygotes.

Submissions (3):

PreventionGenetics, part of Exact Sciences
Classification: Uncertain significance for OPLAH-related condition. Last evaluated: 2025-08-05. Review status: criteria provided, single submitter. Criteria: ACMG Guidelines, 2015. Collection method: clinical testing. Allele origin: germline.
Comment: The OPLAH c.1271G>A variant is predicted to result in the amino acid substitution p.Arg424His. To our knowledge, this variant has not been reported in the literature. This variant is reported in 0.021% of alleles in individuals of East Asian descent in gnomAD. At this time, the clinical significance of this variant is uncertain due to the absence of conclusive functional and genetic evidence.

Labcorp Genetics (formerly Invitae), Labcorp
Classification: Uncertain significance for 5-Oxoprolinase deficiency. Last evaluated: 2024-11-07. Review status: criteria provided, single submitter. Criteria: Invitae Variant Classification Sherloc (09022015). Collection method: clinical testing. Allele origin: germline.
Comment: This sequence change replaces arginine, which is basic and polar, with histidine, which is basic and polar, at codon 424 of the OPLAH protein (p.Arg424His). This variant is present in population databases (rs781812234, gnomAD 0.02%). This variant has not been reported in the literature in individuals affected with OPLAH-related conditions. ClinVar contains an entry for this variant (Variation ID: 2363811). An algorithm developed to predict the effect of missense changes on protein structure and function (PolyPhen-2) suggests that this variant is likely to be tolerated. In summary, the available evidence is currently insufficient to determine the role of this variant in disease. Therefore, it has been classified as a Variant of Uncertain Significance.

Ambry Genetics
Classification: Uncertain significance. Last evaluated: 2021-09-01. Review status: criteria provided, single submitter. Criteria: Ambry Variant Classification Scheme 2023. Collection method: clinical testing. Allele origin: germline.

NM_017570.5(OPLAH):c.1271G>A (p.Arg424His)

Gene: OPLAH (5-oxoprolinase, ATP-hydrolysing; minus strand). Cytogenetic location: 8q24.3.
Variant type: single nucleotide variant.
Coding change: c.1271G>A on transcript NM_017570.5 (MANE Select); coding-DNA position 1271, G replaced by A.
Protein change: p.Arg424His; replaces arginine 424 with histidine.
Molecular consequence: missense variant.
Genome position (GRCh38, 1-based): chr8:144,057,599, C>T on the plus strand (G>A on the coding strand, the complement: OPLAH is on the minus strand). VCF-style: chr8-144057599-C-T. GRCh37 (hg19) VCF-style: chr8-145112502-C-T.
Other names: c.1271G>A (NM_017570.4); short protein forms R424H.
Identifiers: ClinVar variation 2363811 (VCV002363811.5), dbSNP rs781812234, ClinGen allele CA4931932.